The following is an entry in ClinVar:

NM_001105206.3(LAMA4):c.1604del (p.Ser535fs)

Gene: LAMA4 (laminin subunit alpha 4; minus strand). Cytogenetic location: 6q21.
Variant type: Deletion.
Coding change: c.1604del on transcript NM_001105206.3 (MANE Select); coding-DNA position 1604, one base deleted (G; older notation c.1604delG).
Protein change: p.Ser535fs; shifts the reading frame from serine 535.
Molecular consequence: frameshift variant.
Genome position (GRCh38, 1-based): chr6:112,165,224, C deleted on the plus strand (G on the coding strand, the reverse complement: LAMA4 is on the minus strand). VCF-style (leftmost placement, unchanged base first): chr6-112165223-GC-G. GRCh37 (hg19) VCF-style: chr6-112486425-GC-G.
Other names: c.1583del, p.Ser528fs (NM_001105207.3, NM_002290.5); short protein forms S528fs, S535fs.
Identifiers: ClinVar variation 1463965 (VCV001463965.6), dbSNP rs2114830424, ClinGen allele CA2573140379.

ClinVar aggregate classification (germline): Uncertain significance (1 of 4 stars; one submission).

Conditions:
Dilated cardiomyopathy 1JJ (CMD1JJ). Identifiers: Orphanet 154, MedGen C3808935, MONDO:0014095, OMIM 615235.

Submission:

Labcorp Genetics (formerly Invitae), Labcorp
Classification: Uncertain significance for Dilated cardiomyopathy 1JJ. Last evaluated: 2021-11-18. Review status: criteria provided, single submitter. Criteria: Invitae Variant Classification Sherloc (09022015). Collection method: clinical testing. Allele origin: germline.
Comment: This variant is not present in population databases (gnomAD no frequency). This sequence change creates a premature translational stop signal (p.Ser528Thrfs*7) in the LAMA4 gene. It is expected to result in an absent or disrupted protein product. However, the current clinical and genetic evidence is not sufficient to establish whether loss-of-function variants in LAMA4 cause disease. This variant has not been reported in the literature in individuals affected with LAMA4-related conditions. In summary, the available evidence is currently insufficient to determine the role of this variant in disease. Therefore, it has been classified as a Variant of Uncertain Significance.